The following is an entry in ClinVar:

ClinVar aggregate classification (germline): Likely pathogenic (1 of 4 stars; one submission).

Conditions:
Hereditary cancer-predisposing syndrome. Also called: Neoplastic Syndromes, Hereditary; Tumor predisposition; Hereditary neoplastic syndrome; Hereditary Cancer Syndrome. Identifiers: Orphanet 140162, MedGen C0027672, MeSH D009386, MONDO:0015356.

Submission:

Ambry Genetics
Classification: Likely pathogenic for Hereditary cancer-predisposing syndrome. Last evaluated: 2023-10-26. Review status: criteria provided, single submitter. Criteria: Ambry Variant Classification Scheme 2023. Collection method: clinical testing. Allele origin: germline.
Comment: The c.2295_2296delCT variant, located in coding exon 11 of the BARD1 gene, results from a deletion of two nucleotides at nucleotide positions 2295 to 2296, causing a translational frameshift with a predicted alternate stop codon (p.D765Efs*6). This alteration occurs at the 3' terminus of theBARD1 gene, is not expected to trigger nonsense-mediated mRNA decay, and only impacts the last 13 amino acids of the protein. However, premature stop codons are typically deleterious in nature and the impacted region is critical for protein function (Ambry internal data). Based on the majority of available evidence to date, this variant is likely to be pathogenic.

NM_000465.4(BARD1):c.2295_2296del (p.Asp765fs)

Gene: BARD1 (BRCA1 associated RING domain 1; minus strand). Cytogenetic location: 2q35.
Variant type: Deletion.
Coding change: c.2295_2296del on transcript NM_000465.4 (MANE Select); coding-DNA positions 2295 to 2296, 2 bases deleted (CT; older notation c.2295_2296delCT).
Protein change: p.Asp765fs; shifts the reading frame from aspartic acid 765.
Molecular consequence: frameshift variant. On other transcripts: non-coding transcript variant (3).
Genome position (GRCh38, 1-based): chr2:214,728,714-214,728,715, AG deleted on the plus strand (CT on the coding strand, the reverse complement: BARD1 is on the minus strand). VCF-style (leftmost placement, unchanged base first): chr2-214728713-CAG-C. GRCh37 (hg19) VCF-style: chr2-215593437-CAG-C.
Other names: c.2238_2239del, p.Asp746fs (NM_001282543.2); c.942_943del, p.Asp314fs (NM_001282545.2); c.885_886del, p.Asp295fs (NM_001282548.2); c.756_757del, p.Asp252fs (NM_001282549.2); short protein forms D252fs, D295fs, D314fs, D746fs, D765fs.
Identifiers: ClinVar variation 3231792 (VCV003231792.1), dbSNP rs2469267297, ClinGen allele CA2825001069.